The following is an entry in ClinVar:

ClinVar aggregate classification (germline): Conflicting classifications of pathogenicity. Review status: criteria provided, conflicting classifications (1 of 4 stars). 13 submissions from 13 submitters: Uncertain significance (2); Benign (5); Likely benign (4). 2 of the submissions do not count toward it. Last evaluated 2026-02-02.

Conditions:
ALPL-related disorder. Also called: ALPL-related disorders; ALPL-related condition.
Inborn genetic diseases. Identifiers: MedGen C0950123, MeSH D030342.
Hypophosphatasia. Also called: Phosphoethanol-aminuria. Identifiers: Orphanet 436, MedGen C0020630, MeSH D007014, MONDO:0018570.

Allele frequency attached by ClinVar (database versions not stated): gnomAD 0.00101 and 0.00106; TOPMed 0.00114; ESP Exome Variant Server 0.00115; ExAC 0.00117.
gnomAD v4.1: 1,404 of 1,613,976 alleles (0.087%); highest among the groups gnomAD compares: Admixed American, 0.023%; 21 homozygotes.

Submissions (13):

Labcorp Genetics (formerly Invitae), Labcorp
Classification: Benign. Last evaluated: 2026-02-02. Review status: criteria provided, single submitter. Criteria: Invitae Variant Classification Sherloc (09022015). Collection method: clinical testing. Allele origin: germline.

Genomenon, Inc
Classification: Likely benign for Hypophosphatasia. Last evaluated: 2025-08-29. Review status: criteria provided, single submitter. Criteria: Genomenon Sequence Variant Interpretation Standards. Collection method: curation. Allele origin: germline. Affected: yes.
Comment: ALPL c.818C>T is a missense variant that changes the amino acid at residue 273 from Threonine to Methionine. This variant has been observed in at least one proband affected with hypophosphatasia (PMID:36361766;38884565;34935951;33191482). Functional studies have been reported;however, the significance of the findings remain unclear (PMID:32160374). This variant was observed in several healthy homozygous individuals in gnomAD. In conclusion, we classify ALPL p.Thr273Met (c.818C>T) as a likely benign variant.

CeGaT Center for Human Genetics Tuebingen
Classification: Likely benign. Last evaluated: 2025-08-01. Review status: criteria provided, single submitter. Criteria: CeGaT Center For Human Genetics Tuebingen Variant Classification Criteria Version 2. Collection method: clinical testing. Allele origin: germline. Affected: yes. Observed: 5 variant alleles.
Comment: ALPL: BS2

Mayo Clinic Laboratories, Mayo Clinic
Classification: Benign. Last evaluated: 2024-11-15. Review status: criteria provided, single submitter. Criteria: ACMG Guidelines, 2015. Collection method: clinical testing. Allele origin: germline. Observed: 1 variant allele.
Comment: BS1, BS2

Athena Diagnostics
Classification: Benign. Last evaluated: 2024-02-01. Review status: criteria provided, single submitter. Criteria: Athena Diagnostics Criteria. Collection method: clinical testing. Allele origin: unknown.

JKU Lab, Dept of Paediatrics, Johannes Kepler University
Classification: Uncertain significance for Hypophosphatasia. Last evaluated: 2022-10-19. Review status: criteria provided, single submitter. Criteria: ACMG Guidelines, 2015. Collection method: clinical testing. Allele origin: germline. Affected: yes. Observed: 1 heterozygote.

Ambry Genetics
Classification: Benign for Inborn genetic diseases. Last evaluated: 2022-01-11. Review status: criteria provided, single submitter. Criteria: Ambry Variant Classification Scheme 2023. Collection method: clinical testing. Allele origin: germline.

Genetic Services Laboratory, University of Chicago
Classification: Likely benign. Last evaluated: 2021-11-22. Review status: criteria provided, single submitter. Criteria: ACMG Guidelines, 2015. Collection method: clinical testing. Allele origin: germline. Affected: no.

GeneDx
Classification: Likely benign. Last evaluated: 2021-02-15. Review status: criteria provided, single submitter. Criteria: GeneDx Variant Classification Process June 2021. Collection method: clinical testing. Allele origin: germline. Affected: yes.
Comment: This variant is associated with the following publications: (PMID: 21956185, 27042741, 30564332, 32803091)

Illumina Laboratory Services, Illumina
Classification: Benign for Hypophosphatasia. Last evaluated: 2018-01-13. Review status: criteria provided, single submitter. Criteria: ICSL Variant Classification Criteria 13 December 2019. Collection method: clinical testing. Allele origin: germline.
Comment: This variant was observed in the ICSL laboratory as part of a predisposition screen in an ostensibly healthy population. It had not been previously curated by ICSL or reported in the Human Gene Mutation Database (HGMD: prior to June 1st, 2018), and was therefore a candidate for classification through an automated scoring system. Utilizing variant allele frequency, disease prevalence and penetrance estimates, and inheritance mode, an automated score was calculated to assess if this variant is too frequent to cause the disease. Based on the score and internal cut-off values, a variant classified as benign is not then subjected to further curation. The score for this variant resulted in a classification of benign for this disease.

Eurofins Ntd Llc (ga)
Classification: Uncertain significance. Last evaluated: 2016-05-20. Review status: criteria provided, single submitter. Criteria: EGL Classification Definitions 2015. Collection method: clinical testing. Allele origin: germline. Observed: 1 variant allele, 1 heterozygote.

PreventionGenetics, part of Exact Sciences
Classification: Likely benign for ALPL-related condition. Last evaluated: 2024-02-02. Review status: no assertion criteria provided. Collection method: clinical testing. Allele origin: germline. Not counted in ClinVar's aggregate classification.
Comment: This variant is classified as likely benign based on ACMG/AMP sequence variant interpretation guidelines (Richards et al. 2015 PMID: 25741868, with internal and published modifications).

Natera, Inc.
Classification: Benign for Hypophosphatasia. Last evaluated: 2020-01-11. Review status: no assertion criteria provided. Collection method: clinical testing. Allele origin: germline. Not counted in ClinVar's aggregate classification.

Literature cited by the submitters: PubMed 36361766 (cited by Genomenon, Inc and Mayo Clinic Laboratories, Mayo Clinic); PubMed 38884565 (cited by Genomenon, Inc); PubMed 34935951 (cited by 3 submitters); PubMed 33191482 (cited by Genomenon, Inc and Athena Diagnostics); PubMed 32160374 (cited by Genomenon, Inc and Mayo Clinic Laboratories, Mayo Clinic); PubMed 21956185 (cited by Mayo Clinic Laboratories, Mayo Clinic and Athena Diagnostics); PubMed 27042741 (cited by Mayo Clinic Laboratories, Mayo Clinic); PubMed 32803091 (cited by Mayo Clinic Laboratories, Mayo Clinic); PubMed 33579333 (cited by Athena Diagnostics and Ambry Genetics).

NM_000478.6(ALPL):c.818C>T (p.Thr273Met)

Gene: ALPL (alkaline phosphatase, biomineralization associated; plus strand). Cytogenetic location: 1p36.12.
Variant type: single nucleotide variant.
Coding change: c.818C>T on transcript NM_000478.6 (MANE Select); coding-DNA position 818, C replaced by T.
Protein change: p.Thr273Met; replaces threonine 273 with methionine.
Molecular consequence: missense variant.
Genome position (GRCh38, 1-based): chr1:21,570,330, C>T. VCF-style: chr1-21570330-C-T. GRCh37 (hg19) VCF-style: chr1-21896823-C-T.
Other names: p.Thr273Met; c.653C>T, p.Thr218Met (NM_001127501.4); c.587C>T, p.Thr196Met (NM_001177520.3); c.818C>T, p.Thr273Met (NM_001369803.2, NM_001369804.2, NM_001369805.2); short protein forms T273M, T196M, T218M.
Identifiers: ClinVar variation 288247 (VCV000288247.57), dbSNP rs148405563, ClinGen allele CA666627.
Genomic context (GRCh38, chr1:21,570,330, plus strand): 5'-CCCCCGGCATGTGCTGACACAGCCCTTCCTCCTAGCACTCCCACTTCATCTGGAACCGCA[C>T]GGAACTCCTGACCCTTGACCCCCACAATGTGGACTACCTATTGGGTAAGTGGAGGGGGTG-3'
Protein context (NP_000469.3, residues 263-283): YKHSHFIWNR[Thr273Met]ELLTLDPHNV